The following is an entry in ClinVar:

ClinVar aggregate classification (germline): Uncertain significance (1 of 4 stars; one submission).

Allele frequency attached by ClinVar (database versions not stated): gnomAD exomes 0.00002; TOPMed 0.00002.
gnomAD v4.1: 9 of 700,196 alleles (0.0013%); highest among the groups gnomAD compares: East Asian, 0.0054%; no homozygotes.

Submission:

Labcorp Genetics (formerly Invitae), Labcorp
Classification: Uncertain significance. Last evaluated: 2024-07-29. Review status: criteria provided, single submitter. Criteria: Invitae Variant Classification Sherloc (09022015). Collection method: clinical testing. Allele origin: germline.
Comment: This variant occurs in the RNU4ATAC gene, which encodes an RNA molecule that does not result in a protein product. This variant is present in population databases (rs371749022, gnomAD 0.02%). This variant has not been reported in the literature in individuals affected with RNU4ATAC-related conditions. ClinVar contains an entry for this variant (Variation ID: 1481503). Experimental studies and prediction algorithms are not available or were not evaluated, and the functional significance of this variant is currently unknown. In summary, the available evidence is currently insufficient to determine the role of this variant in disease. Therefore, it has been classified as a Variant of Uncertain Significance.

NC_000002.12:g.121530976T>G

Genes: CLASP1 (cytoplasmic linker associated protein 1; minus strand), CLASP1-AS1 (CLASP1 antisense RNA 1; plus strand), RNU4ATAC (RNA, U4atac small nuclear; plus strand). Cytogenetic location: 2q14.2.
Variant type: single nucleotide variant.
Molecular consequence: intron variant (on NM_001395891.1).
Genome position: GRCh38 VCF-style: chr2-121530976-T-G. GRCh37 (hg19) VCF-style: chr2-122288552-T-G.
Other names: c.196-651A>C (NM_015282.3, NM_001378003.1, NM_001395891.1 and 5 more transcripts).
Identifiers: ClinVar variation 1481503 (VCV001481503.5), dbSNP rs371749022, ClinGen allele CA54810983.